The following is an entry in ClinVar:

ClinVar aggregate classification (germline): Uncertain significance. Review status: criteria provided, multiple submitters, no conflicts (2 of 4 stars). 3 submissions from 3 submitters: Uncertain significance (3). Last evaluated 2025-07-11.

Conditions:
Ehlers-Danlos syndrome, classic type, 1 (EDSCL1). Also called: EHLERS-DANLOS SYNDROME, GRAVIS TYPE; EHLERS-DANLOS SYNDROME, SEVERE CLASSIC TYPE; EDS I; Ehlers-Danlos Syndrome, Classic Type, COL5A1-Related; Ehlers-Danlos syndrome, type 1. Identifiers: MedGen C0268335, MONDO:0019567, OMIM 130000.
Familial thoracic aortic aneurysm and aortic dissection (TAAD). Also called: Thoracic aortic aneurysms and dissections. Identifiers: Orphanet 91387, MedGen C4707243, MONDO:0019625.

Allele frequency attached by ClinVar (database versions not stated): TOPMed below 0.00001.

Submissions (3):

Ambry Genetics
Classification: Uncertain significance for Familial thoracic aortic aneurysm and aortic dissection. Last evaluated: 2025-07-11. Review status: criteria provided, single submitter. Criteria: Ambry Variant Classification Scheme 2023. Collection method: clinical testing. Allele origin: germline.
Comment: The p.M1237V variant (also known as c.3709A>G), located in coding exon 51 of the COL5A2 gene, results from an A to G substitution at nucleotide position 3709. The methionine at codon 1237 is replaced by valine, an amino acid with highly similar properties. This amino acid position is not well conserved in available vertebrate species. In addition, the in silico prediction for this alteration is inconclusive. Based on the available evidence, the clinical significance of this variant remains unclear.

Labcorp Genetics (formerly Invitae), Labcorp
Classification: Uncertain significance for Ehlers-Danlos syndrome, classic type, 1. Last evaluated: 2020-03-01. Review status: criteria provided, single submitter. Criteria: Invitae Variant Classification Sherloc (09022015). Collection method: clinical testing. Allele origin: germline.
Comment: In summary, the available evidence is currently insufficient to determine the role of this variant in disease. Therefore, it has been classified as a Variant of Uncertain Significance. Algorithms developed to predict the effect of missense changes on protein structure and function are either unavailable or do not agree on the potential impact of this missense change (SIFT: "Deleterious"; PolyPhen-2: "Not Available"; Align-GVGD: "Class C0"). This variant has not been reported in the literature in individuals with COL5A2-related conditions. This variant is not present in population databases (ExAC no frequency). This sequence change replaces methionine with valine at codon 1237 of the COL5A2 protein (p.Met1237Val). The methionine residue is highly conserved and there is a small physicochemical difference between methionine and valine.

Mayo Clinic Laboratories, Mayo Clinic
Classification: Uncertain significance. Last evaluated: 2020-02-19. Review status: criteria provided, single submitter. Criteria: ACMG Guidelines, 2015. Collection method: clinical testing. Allele origin: germline. Observed: 2 variant alleles.

NM_000393.5(COL5A2):c.3709A>G (p.Met1237Val)

Gene: COL5A2 (collagen type V alpha 2 chain; minus strand). Cytogenetic location: 2q32.2.
Variant type: single nucleotide variant.
Coding change: c.3709A>G on transcript NM_000393.5 (MANE Select); coding-DNA position 3709, A replaced by G.
Protein change: p.Met1237Val; replaces methionine 1237 with valine.
Molecular consequence: missense variant.
Genome position (GRCh38, 1-based): chr2:189,039,488, T>C on the plus strand (A>G on the coding strand, the complement: COL5A2 is on the minus strand). VCF-style: chr2-189039488-T-C. GRCh37 (hg19) VCF-style: chr2-189904214-T-C.
Other names: c.3709A>G (NM_000393.3); short protein forms M1237V.
Identifiers: ClinVar variation 1063879 (VCV001063879.14), dbSNP rs1685513453, ClinGen allele CA349857975.